The following is an entry in ClinVar:

NM_001379291.1(BRD4):c.2763A>C (p.Pro921=)

Gene: BRD4 (bromodomain containing 4; minus strand). Cytogenetic location: 19p13.12.
Variant type: single nucleotide variant.
Coding change: c.2763A>C on transcript NM_001379291.1 (MANE Select); coding-DNA position 2763, A replaced by C.
Protein change: p.Pro921=; no amino-acid change (proline 921 retained).
Molecular consequence: synonymous variant.
Genome position (GRCh38, 1-based): chr19:15,243,306, T>G on the plus strand (A>C on the coding strand, the complement: BRD4 is on the minus strand). VCF-style: chr19-15243306-T-G. GRCh37 (hg19) VCF-style: chr19-15354117-T-G.
Other names: c.2763A>C, p.Pro921= (NM_058243.3).
Identifiers: ClinVar variation 3026570 (VCV003026570.22), dbSNP rs1599433357, ClinGen allele CA506080391.

ClinVar aggregate classification (germline): Likely benign (1 of 4 stars; one submission).

Allele frequency attached by ClinVar (database versions not stated): gnomAD 0.00003.

Submission:

CeGaT Center for Human Genetics Tuebingen
Classification: Likely benign. Last evaluated: 2023-12-01. Review status: criteria provided, single submitter. Criteria: CeGaT Center For Human Genetics Tuebingen Variant Classification Criteria Version 2. Collection method: clinical testing. Allele origin: germline. Affected: yes. Observed: 1 variant allele.
Comment: BRD4: BP4, BP7